The following is an entry in ClinVar:

ClinVar aggregate classification (germline): Likely pathogenic (1 of 4 stars; one submission).

Conditions:
Saldino-Mainzer syndrome (SRTD9). Also called: CONORENAL SYNDROME; SHORT-RIB THORACIC DYSPLASIA 9 WITHOUT POLYDACTYLY; short-rib thoracic dysplasia 9 with or without polydactyly; Renal dysplasia, retinal pigmentary dystrophy, cerebellar ataxia and skeletal dysplasia. Identifiers: Orphanet 140969, MedGen C1849437, MONDO:0009964, OMIM 266920.

Allele frequency attached by ClinVar (database versions not stated): gnomAD exomes below 0.00001; ExAC 0.00001.
gnomAD v4.1: 1 of 1,609,752 alleles (0.000062%); highest among the groups gnomAD compares: Admixed American, 0.0017%; no homozygotes.

Submission:

Labcorp Genetics (formerly Invitae), Labcorp
Classification: Likely pathogenic for Saldino-Mainzer syndrome. Last evaluated: 2025-04-17. Review status: criteria provided, single submitter. Criteria: Invitae Variant Classification Sherloc (09022015). Collection method: clinical testing. Allele origin: germline.
Comment: This sequence change affects an acceptor splice site in intron 3 of the IFT140 gene. It is expected to disrupt RNA splicing. Variants that disrupt the donor or acceptor splice site typically lead to a loss of protein function (PMID: 16199547), and loss-of-function variants in IFT140 are known to be pathogenic (PMID: 22503633, 23418020, 24009529, 26216056). This variant is present in population databases (rs775682083, gnomAD 0.003%). This variant has not been reported in the literature in individuals affected with IFT140-related conditions. ClinVar contains an entry for this variant (Variation ID: 963041). Algorithms developed to predict the effect of sequence changes on RNA splicing suggest that this variant may disrupt the consensus splice site. In summary, the currently available evidence indicates that the variant is pathogenic, but additional data are needed to prove that conclusively. Therefore, this variant has been classified as Likely Pathogenic.

Literature cited by the submitters: PubMed 16199547; PubMed 22503633; PubMed 23418020; PubMed 24009529; PubMed 26216056.

NM_014714.4(IFT140):c.148-2A>G

Genes: IFT140 (intraflagellar transport 140; minus strand), LOC105371046 (uncharacterized LOC105371046; plus strand). Cytogenetic location: 16p13.3.
Variant type: single nucleotide variant.
Coding change: c.148-2A>G on transcript NM_014714.4 (MANE Select); the canonical splice acceptor site of the intron before coding-DNA position 148, A replaced by G.
Molecular consequence: splice acceptor variant.
Genome position (GRCh38, 1-based): chr16:1,602,593, T>C on the plus strand (A>G on the coding strand, the complement: IFT140 is on the minus strand). VCF-style: chr16-1602593-T-C. GRCh37 (hg19) VCF-style: chr16-1652594-T-C.
Identifiers: ClinVar variation 963041 (VCV000963041.8), dbSNP rs775682083, ClinGen allele CA7814802.